The following is an entry in ClinVar:

ClinVar aggregate classification (germline): Uncertain significance (1 of 4 stars; one submission).

Allele frequency attached by ClinVar (database versions not stated): gnomAD 0.00002; TOPMed 0.00002; gnomAD exomes 0.00003.
gnomAD v4.1: 7 of 310,590 alleles (0.0023%); highest among the groups gnomAD compares: Non-Finnish European, 0.0043%; no homozygotes.

Submission:

Women's Health and Genetics/Laboratory Corporation of America, LabCorp
Classification: Uncertain significance. Last evaluated: 2023-04-05. Review status: criteria provided, single submitter. Criteria: LabCorp Variant Classification Summary - May 2015. Collection method: clinical testing. Allele origin: germline.
Comment: Variant summary: SDCCAG8 c.740+301G>A is located at a position not widely known to affect splicing. One computational tool predicts the variant creates a 5 prime donor site. However, these predictions have yet to be confirmed by functional studies. The variant allele was found at a frequency of 4e-05 in 24944 control chromosomes. The available data on variant occurrences in the general population are insufficient to allow any conclusion about variant significance. To our knowledge, no occurrence of c.740+301G>A in individuals affected with Bardet-Biedl Syndrome and no experimental evidence demonstrating its impact on protein function have been reported. No clinical diagnostic laboratories have submitted clinical-significance assessments for this variant to ClinVar after 2014. Based on the evidence outlined above, the variant was classified as VUS.

NM_006642.5(SDCCAG8):c.740+301G>A

Gene: SDCCAG8 (SHH signaling and ciliogenesis regulator SDCCAG8; plus strand). Cytogenetic location: 1q43.
Variant type: single nucleotide variant.
Coding change: c.740+301G>A on transcript NM_006642.5 (MANE Select); 301 bases into the intron after coding-DNA position 740, G replaced by A.
Molecular consequence: intron variant. On other transcripts: 5 prime UTR variant (2).
Genome position (GRCh38, 1-based): chr1:243,305,078, G>A. VCF-style: chr1-243305078-G-A. GRCh37 (hg19) VCF-style: chr1-243468380-G-A.
Other names: c.-306G>A (NM_001350246.2); c.-471G>A (NM_001350251.2); c.446+301G>A (NM_001350249.2); c.836+301G>A (NM_001350248.2); c.-261+301G>A (NM_001350247.2); c.740+301G>A (NM_006642.3).
Identifiers: ClinVar variation 2504030 (VCV002504030.1), dbSNP rs1158435278, ClinGen allele CA529972479.